The following is an entry in ClinVar:

NM_020693.4(DSCAML1):c.4481C>T (p.Thr1494Met)

Gene: DSCAML1 (DS cell adhesion molecule like 1; minus strand). Cytogenetic location: 11q23.3.
Variant type: single nucleotide variant.
Coding change: c.4481C>T on transcript NM_020693.4 (MANE Select); coding-DNA position 4481, C replaced by T.
Protein change: p.Thr1494Met; replaces threonine 1494 with methionine.
Molecular consequence: missense variant.
Genome position (GRCh38, 1-based): chr11:117,437,361, G>A on the plus strand (C>T on the coding strand, the complement: DSCAML1 is on the minus strand). VCF-style: chr11-117437361-G-A. GRCh37 (hg19) VCF-style: chr11-117308077-G-A.
Other names: c.4661C>T (NM_020693.2); short protein forms T1494M.
Identifiers: ClinVar variation 2178742 (VCV002178742.5), dbSNP rs146201403, ClinGen allele CA6296358.

ClinVar aggregate classification (germline): Uncertain significance. Review status: criteria provided, multiple submitters, no conflicts (2 of 4 stars). 2 submissions from 2 submitters: Uncertain significance (2). Last evaluated 2025-05-06.

Allele frequency attached by ClinVar (database versions not stated): gnomAD exomes below 0.00001; ExAC 0.00002; TOPMed 0.00003; gnomAD 0.00005; ESP Exome Variant Server 0.00008.
gnomAD v4.1: 16 of 1,614,104 alleles (0.00099%); highest among the groups gnomAD compares: African/African-American, 0.008%; no homozygotes.

Submissions (2):

Ambry Genetics
Classification: Uncertain significance. Last evaluated: 2025-05-06. Review status: criteria provided, single submitter. Criteria: Ambry Variant Classification Scheme 2023. Collection method: clinical testing. Allele origin: germline.

Labcorp Genetics (formerly Invitae), Labcorp
Classification: Uncertain significance. Last evaluated: 2022-05-25. Review status: criteria provided, single submitter. Criteria: Invitae Variant Classification Sherloc (09022015). Collection method: clinical testing. Allele origin: germline.
Comment: In summary, the available evidence is currently insufficient to determine the role of this variant in disease. Therefore, it has been classified as a Variant of Uncertain Significance. Algorithms developed to predict the effect of missense changes on protein structure and function are either unavailable or do not agree on the potential impact of this missense change (SIFT: "Deleterious"; PolyPhen-2: "Probably Damaging"; Align-GVGD: "Class C15"). This variant has not been reported in the literature in individuals affected with DSCAML1-related conditions. This variant is present in population databases (rs146201403, gnomAD 0.008%). This sequence change replaces threonine, which is neutral and polar, with methionine, which is neutral and non-polar, at codon 1554 of the DSCAML1 protein (p.Thr1554Met).